The following is an entry in ClinVar:

NM_001367823.1(ARHGEF18):c.3537_3538delinsGA (p.Val1180Met)

Gene: ARHGEF18 (Rho/Rac guanine nucleotide exchange factor 18; plus strand). Cytogenetic location: 19p13.2.
Variant type: Indel.
Coding change: c.3537_3538delinsGA on transcript NM_001367823.1 (MANE Select); coding-DNA positions 3537 to 3538, TG replaced by GA.
Protein change: p.Val1180Met; replaces valine 1180 with methionine.
Molecular consequence: missense variant.
Genome position (GRCh38, 1-based): chr19:7,468,881-7,468,882, TG replaced by GA. VCF-style: chr19-7468881-TG-GA. GRCh37 (hg19) VCF-style: chr19-7533767-TG-GA.
Other names: c.2811_2812delinsGA, p.Val938Met (NM_001130955.2); c.2499_2500delinsGA, p.Val834Met (NM_001367824.1, NM_015318.4); short protein forms V1180M, V834M, V938M.
Identifiers: ClinVar variation 1058454 (VCV001058454.9), dbSNP rs2145918265, ClinGen allele CA2499225620.
Genomic context (GRCh38, chr19:7,468,881, plus strand): 5'-TCAGGCCCAGCCCCCAAGCCACCCTCCCAGCTTCAACGGGGAAGGGCTGGAGGGCCCTCG[TG>GA]TGAGCATGCTGCCATCCGGCGTGGGGCCAGAGTACGCAGAGCGCCCCGAGGTGGCTCGCC-3'
Protein context (NP_001354752.1, residues 1170-1190): FNGEGLEGPR[Val1180Met]SMLPSGVGPE

ClinVar aggregate classification (germline): Uncertain significance (1 of 4 stars; one submission).

Submission:

Labcorp Genetics (formerly Invitae), Labcorp
Classification: Uncertain significance. Last evaluated: 2022-08-31. Review status: criteria provided, single submitter. Criteria: Invitae Variant Classification Sherloc (09022015). Collection method: clinical testing. Allele origin: germline.
Comment: In summary, the available evidence is currently insufficient to determine the role of this variant in disease. Therefore, it has been classified as a Variant of Uncertain Significance. Algorithms developed to predict the effect of missense changes on protein structure and function output the following: SIFT: "Not Available"; PolyPhen-2: "Not Available"; Align-GVGD: "Not Available". The methionine amino acid residue is found in multiple mammalian species, which suggests that this missense change does not adversely affect protein function. ClinVar contains an entry for this variant (Variation ID: 1058454). This variant has not been reported in the literature in individuals affected with ARHGEF18-related conditions. Information on the frequency of this variant in the gnomAD database is not available, as this variant may be reported differently in the database. This sequence change replaces valine, which is neutral and non-polar, with methionine, which is neutral and non-polar, at codon 992 of the ARHGEF18 protein (p.Val992Met).